The following is an entry in ClinVar:

NM_198576.4(AGRN):c.2740GAG[3] (p.Glu915_Ser916insGlu)

Gene: AGRN (agrin; plus strand). Cytogenetic location: 1p36.33.
Variant type: Microsatellite.
Coding change: c.2740GAG[3] on transcript NM_198576.4 (MANE Select); three copies in a row of the 3-base unit GAG starting at c.2740; the reference has two copies in a row; one copy, 3 bases duplicated.
Protein change: p.Glu915_Ser916insGlu.
Genome position (GRCh38, 1-based): chr1:1,046,026-1,046,028, GAG duplicated; duplicating any 3 consecutive bases within chr1:1,046,022-1,046,028 gives the same sequence; the position shown is the placement nearest the transcript's 3' end. VCF-style (leftmost placement, unchanged base first): chr1-1046021-T-TGGA. GRCh37 (hg19) VCF-style: chr1-981401-T-TGGA.
Other names: c.2740GAG[3], p.Glu915_Ser916insGlu (NM_001305275.2); c.2425GAG[3], p.Glu810_Ser811insGlu (NM_001364727.2).
Identifiers: ClinVar variation 3727394 (VCV003727394.2).

ClinVar aggregate classification (germline): Uncertain significance (1 of 4 stars; one submission).

Conditions:
Congenital myasthenic syndrome 8. Also called: MYASTHENIC SYNDROME, CONGENITAL, DUE TO AGRIN DEFICIENCY; Myasthenic syndrome, congenital, 8, with pre- and postsynaptic defects. Identifiers: Orphanet 590, MedGen C3808739, MONDO:0014052, OMIM 615120.

Submission:

Labcorp Genetics (formerly Invitae), Labcorp
Classification: Uncertain significance for Congenital myasthenic syndrome 8. Last evaluated: 2024-12-18. Review status: criteria provided, single submitter. Criteria: Invitae Variant Classification Sherloc (09022015). Collection method: clinical testing. Allele origin: germline.
Comment: This variant, c.2743_2745dup, results in the insertion of 1 amino acid(s) of the AGRN protein (p.Glu915dup), but otherwise preserves the integrity of the reading frame. This variant is not present in population databases (gnomAD no frequency). This variant has not been reported in the literature in individuals affected with AGRN-related conditions. In summary, the available evidence is currently insufficient to determine the role of this variant in disease. Therefore, it has been classified as a Variant of Uncertain Significance.